The following is an entry in ClinVar:

NM_000088.4(COL1A1):c.1853_1857del (p.Ala618fs)

Gene: COL1A1 (collagen type I alpha 1 chain; minus strand). Cytogenetic location: 17q21.33.
Variant type: Deletion.
Coding change: c.1853_1857del on transcript NM_000088.4 (MANE Select); coding-DNA positions 1853 to 1857, 5 bases deleted (CTCAG; older notation c.1853_1857delCTCAG).
Protein change: p.Ala618fs; shifts the reading frame from alanine 618.
Molecular consequence: frameshift variant.
Genome position (GRCh38, 1-based): chr17:50,192,815-50,192,819, CTGAG deleted on the plus strand (CTCAG on the coding strand, the reverse complement: COL1A1 is on the minus strand); deleting any 5 consecutive bases within chr17:50,192,815-50,192,821 gives the same sequence; the c. name uses the placement nearest the transcript's 3' end. VCF-style (leftmost placement, unchanged base first): chr17-50192814-CCTGAG-C. GRCh37 (hg19) VCF-style: chr17-48270175-CCTGAG-C.
Other names: short protein forms A618fs.
Identifiers: ClinVar variation 860965 (VCV000860965.8), dbSNP rs1907212702, ClinGen allele CA916081204.

ClinVar aggregate classification (germline): Pathogenic (1 of 4 stars; one submission).

Conditions:
Osteogenesis imperfecta type I (OI1). Also called: OI, TYPE I; OSTEOGENESIS IMPERFECTA TARDA; OSTEOGENESIS IMPERFECTA WITH BLUE SCLERAE; Osteogenesis imperfecta type 1; Lobstein disease; Lobstein's Disease. Identifiers: Orphanet 216796, Orphanet 666, MedGen C0023931, MONDO:0008146, OMIM 166200. Disease mechanism: loss of function.

Submission:

Labcorp Genetics (formerly Invitae), Labcorp
Classification: Pathogenic for Osteogenesis imperfecta type I. Last evaluated: 2019-11-28. Review status: criteria provided, single submitter. Criteria: Invitae Variant Classification Sherloc (09022015). Collection method: clinical testing. Allele origin: germline.
Comment: Loss-of-function variants in COL1A1 are known to be pathogenic (PMID: 7942841, 9295084, 9443882). This variant has not been reported in the literature in individuals with COL1A1-related conditions. This variant is not present in population databases (ExAC no frequency). This sequence change creates a premature translational stop signal (p.Ala618Glyfs*14) in the COL1A1 gene. It is expected to result in an absent or disrupted protein product. For these reasons, this variant has been classified as Pathogenic.

Literature cited by the submitters: PubMed 7942841; PubMed 9295084; PubMed 9443882.